The following is an entry in ClinVar:

NM_004304.5(ALK):c.3140C>T (p.Ala1047Val)

Gene: ALK (ALK receptor tyrosine kinase; minus strand). Cytogenetic location: 2p23.2.
Variant type: single nucleotide variant.
Coding change: c.3140C>T on transcript NM_004304.5 (MANE Select); coding-DNA position 3140, C replaced by T.
Protein change: p.Ala1047Val; replaces alanine 1047 with valine.
Molecular consequence: missense variant.
Genome position (GRCh38, 1-based): chr2:29,225,493, G>A on the plus strand (C>T on the coding strand, the complement: ALK is on the minus strand). VCF-style: chr2-29225493-G-A. GRCh37 (hg19) VCF-style: chr2-29448359-G-A.
Other names: short protein forms A1047V.
Identifiers: ClinVar variation 3722503 (VCV003722503.2).

ClinVar aggregate classification (germline): Uncertain significance (1 of 4 stars; one submission).

Conditions:
Neuroblastoma, susceptibility to, 3. Also called: ALK-Related Neuroblastic Tumor Susceptibility. Identifiers: Orphanet 635, MedGen C2751681, MONDO:0013083, OMIM 613014.

Submission:

Labcorp Genetics (formerly Invitae), Labcorp
Classification: Uncertain significance for Neuroblastoma, susceptibility to, 3. Last evaluated: 2024-10-09. Review status: criteria provided, single submitter. Criteria: Invitae Variant Classification Sherloc (09022015). Collection method: clinical testing. Allele origin: germline.
Comment: This sequence change replaces alanine, which is neutral and non-polar, with valine, which is neutral and non-polar, at codon 1047 of the ALK protein (p.Ala1047Val). This variant is not present in population databases (gnomAD no frequency). This variant has not been reported in the literature in individuals affected with ALK-related conditions. An algorithm developed to predict the effect of missense changes on protein structure and function (PolyPhen-2) suggests that this variant is likely to be tolerated. In summary, the available evidence is currently insufficient to determine the role of this variant in disease. Therefore, it has been classified as a Variant of Uncertain Significance.